The following is an entry in ClinVar:

NM_000478.6(ALPL):c.357_358dup (p.Gly120fs)

Gene: ALPL (alkaline phosphatase, biomineralization associated; plus strand). Cytogenetic location: 1p36.12.
Variant type: Microsatellite.
Coding change: c.357_358dup on transcript NM_000478.6 (MANE Select); coding-DNA positions 357 to 358, 2 bases duplicated (TG; older notation c.357_358dupTG).
Protein change: p.Gly120fs; shifts the reading frame from glycine 120.
Molecular consequence: frameshift variant.
Genome position (GRCh38, 1-based): chr1:21,563,169-21,563,170, TG duplicated; duplicating any 2 consecutive bases within chr1:21,563,165-21,563,170 gives the same sequence; the c. name uses the placement nearest the transcript's 3' end. VCF-style (leftmost placement, unchanged base first): chr1-21563164-C-CTG. GRCh37 (hg19) VCF-style: chr1-21889657-C-CTG.
Other names: c.192_193dup, p.Gly65fs (NM_001127501.4); c.126_127dup, p.Gly43fs (NM_001177520.3); c.357_358dup, p.Gly120fs (NM_001369803.2, NM_001369804.2, NM_001369805.2); short protein forms G120fs, G43fs, G65fs.
Identifiers: ClinVar variation 4060191 (VCV004060191.2).

ClinVar aggregate classification (germline): Likely pathogenic (1 of 4 stars; one submission).

Conditions:
Hypophosphatasia. Also called: Phosphoethanol-aminuria. Identifiers: Orphanet 436, MedGen C0020630, MeSH D007014, MONDO:0018570.

Submission:

Natera, Inc.
Classification: Likely pathogenic for Hypophosphatasia. Last evaluated: 2025-03-31. Review status: criteria provided, single submitter. Criteria: Natera Variant Classification Schema (03/2026). Collection method: clinical testing. Allele origin: germline.
Comment: The c.357_358dup variant in ALPL is a frameshift variant predicted to shift the reading frame beginning at codon 120 and leads to a stop codon 3 codons downstream. This variant is expected to result in nonsense mediated decay, truncation, or a dysfunctional protein product. This variant is rare in the general population with a frequency below the threshold expected for the associated phenotype(s). Given the available evidence, this variant is classified as Likely Pathogenic.